The following is an entry in ClinVar:

NM_003737.4(DCHS1):c.8999A>T (p.Glu3000Val)

Gene: DCHS1 (dachsous cadherin-related 1; minus strand). Cytogenetic location: 11p15.4.
Variant type: single nucleotide variant.
Coding change: c.8999A>T on transcript NM_003737.4 (MANE Select); coding-DNA position 8999, A replaced by T.
Protein change: p.Glu3000Val; replaces glutamic acid 3000 with valine.
Molecular consequence: missense variant.
Genome position (GRCh38, 1-based): chr11:6,622,677, T>A on the plus strand (A>T on the coding strand, the complement: DCHS1 is on the minus strand). VCF-style: chr11-6622677-T-A. GRCh37 (hg19) VCF-style: chr11-6643908-T-A.
Other names: short protein forms E3000V.
Identifiers: ClinVar variation 1485783 (VCV001485783.6), dbSNP rs2134608026, ClinGen allele CA379479925.

ClinVar aggregate classification (germline): Uncertain significance (1 of 4 stars; one submission).

Submission:

Labcorp Genetics (formerly Invitae), Labcorp
Classification: Uncertain significance. Last evaluated: 2021-08-27. Review status: criteria provided, single submitter. Criteria: Invitae Variant Classification Sherloc (09022015). Collection method: clinical testing. Allele origin: germline.
Comment: In summary, the available evidence is currently insufficient to determine the role of this variant in disease. Therefore, it has been classified as a Variant of Uncertain Significance. Advanced modeling of protein sequence and biophysical properties (such as structural, functional, and spatial information, amino acid conservation, physicochemical variation, residue mobility, and thermodynamic stability) performed at Invitae indicates that this missense variant is not expected to disrupt DCHS1 protein function. This variant has not been reported in the literature in individuals affected with DCHS1-related conditions. This variant is not present in population databases (ExAC no frequency). This sequence change replaces glutamic acid with valine at codon 3000 of the DCHS1 protein (p.Glu3000Val). The glutamic acid residue is moderately conserved and there is a moderate physicochemical difference between glutamic acid and valine.